The following is an entry in ClinVar:

NM_002471.4(MYH6):c.3408G>A (p.Lys1136=)

Gene: MYH6 (myosin heavy chain 6; minus strand). Cytogenetic location: 14q11.2.
Variant type: single nucleotide variant.
Coding change: c.3408G>A on transcript NM_002471.4 (MANE Select); coding-DNA position 3408, G replaced by A.
Protein change: p.Lys1136=; no amino-acid change (lysine 1136 retained).
Molecular consequence: synonymous variant.
Genome position (GRCh38, 1-based): chr14:23,390,381, C>T on the plus strand (G>A on the coding strand, the complement: MYH6 is on the minus strand). VCF-style: chr14-23390381-C-T. GRCh37 (hg19) VCF-style: chr14-23859590-C-T.
Identifiers: ClinVar variation 44484 (VCV000044484.34), dbSNP rs28730770, ClinGen allele CA134334.

ClinVar aggregate classification (germline): Benign. Review status: criteria provided, multiple submitters, no conflicts (2 of 4 stars). 10 submissions from 10 submitters: Benign (7). 3 of the submissions do not count toward it. Last evaluated 2026-02-03.

Conditions:
Cardiovascular phenotype. Identifiers: MedGen CN230736.
Hypertrophic cardiomyopathy 1 (CMH1). Also called: Familial hypertrophic cardiomyopathy 1; MYH7-Related Familial Hypertrophic Cardiomyopathy. Identifiers: MedGen C3495498, MONDO:0008647, OMIM 192600.
Hypertrophic cardiomyopathy 14. Identifiers: MedGen C2750467, MONDO:0013197, OMIM 613251.
Dilated cardiomyopathy 1EE (CMD1EE). Identifiers: Orphanet 154, MedGen C2750466, MONDO:0013198, OMIM 613252.
Sick sinus syndrome 3, susceptibility to (SSS3). Identifiers: Orphanet 166282, MedGen C3279791, MONDO:0013568, OMIM 614090.
Atrial septal defect 3 (ASD3). Identifiers: Orphanet 1478, MedGen C3279790, MONDO:0013567, OMIM 614089.

Allele frequency attached by ClinVar (database versions not stated): gnomAD exomes 0.00147 and 0.00381; ExAC 0.00518; gnomAD 0.01563 and 0.01687; ESP Exome Variant Server 0.01586; 1000 Genomes Project 0.01717; TOPMed 0.01718; 1000 Genomes Project 30x 0.01811.
gnomAD v4.1: 4,603 of 1,606,144 alleles (0.29%); highest among the groups gnomAD compares: African/African-American, 5.4%; 119 homozygotes.

Submissions (10):

Labcorp Genetics (formerly Invitae), Labcorp
Classification: Benign for Hypertrophic cardiomyopathy 14. Last evaluated: 2026-02-03. Review status: criteria provided, single submitter. Criteria: Invitae Variant Classification Sherloc (09022015). Collection method: clinical testing. Allele origin: germline.

ARUP Laboratories, Molecular Genetics and Genomics, ARUP Laboratories
Classification: Benign. Last evaluated: 2025-04-08. Review status: criteria provided, single submitter. Criteria: ARUP Molecular Germline Variant Investigation Process 2024. Collection method: clinical testing. Allele origin: germline.

Fulgent Genetics
Classification: Benign for Hypertrophic cardiomyopathy 1; Hypertrophic cardiomyopathy 14; Dilated cardiomyopathy 1EE; Atrial septal defect 3; Sick sinus syndrome 3, susceptibility to. Last evaluated: 2021-09-17. Review status: criteria provided, single submitter. Criteria: ACMG Guidelines, 2015. Collection method: clinical testing. Allele origin: unknown.

GeneDx
Classification: Benign. Last evaluated: 2016-11-15. Review status: criteria provided, single submitter. Criteria: GeneDx Variant Classification (06012015). Collection method: clinical testing. Allele origin: germline. Affected: yes.
Comment: This variant is considered likely benign or benign based on one or more of the following criteria: it is a conservative change, it occurs at a poorly conserved position in the protein, it is predicted to be benign by multiple in silico algorithms, and/or has population frequency not consistent with disease.

Ambry Genetics
Classification: Benign for Cardiovascular phenotype. Last evaluated: 2015-07-14. Review status: criteria provided, single submitter. Criteria: Ambry Variant Classification Scheme 2023. Collection method: clinical testing. Allele origin: germline.

Laboratory for Molecular Medicine, Mass General Brigham Personalized Medicine
Classification: Benign. Last evaluated: 2012-02-09. Review status: criteria provided, single submitter. Criteria: LMM Criteria. Collection method: clinical testing. Allele origin: germline. Observed: 43 variant alleles.

Breakthrough Genomics
Classification: Benign. Review status: criteria provided, single submitter. Criteria: ACMG Guidelines, 2015. Collection method: not provided. Allele origin: germline. Inheritance: Autosomal dominant inheritance. Affected: yes.

Clinical Genetics DNA and cytogenetics Diagnostics Lab, Erasmus MC, Erasmus Medical Center
Classification: Benign. Review status: no assertion criteria provided. Collection method: clinical testing. Allele origin: germline. Affected: yes. Study: VKGL Data-share Consensus. Not counted in ClinVar's aggregate classification.

Clinical Genetics, Academic Medical Center
Classification: Benign. Review status: no assertion criteria provided. Collection method: clinical testing. Allele origin: germline. Affected: yes. Study: VKGL Data-share Consensus. Not counted in ClinVar's aggregate classification.

Joint Genome Diagnostic Labs from Nijmegen and Maastricht, Radboudumc and MUMC+
Classification: Benign. Review status: no assertion criteria provided. Collection method: clinical testing. Allele origin: germline. Affected: yes. Study: VKGL Data-share Consensus. Not counted in ClinVar's aggregate classification.